The following is an entry in ClinVar:

ClinVar aggregate classification (germline): Uncertain significance (1 of 4 stars; one submission).

Allele frequency attached by ClinVar (database versions not stated): gnomAD exomes below 0.00001.
gnomAD v4.1: 1 of 1,614,080 alleles (0.000062%); highest among the groups gnomAD compares: Non-Finnish European, 0.000085%; no homozygotes.

Submission:

Labcorp Genetics (formerly Invitae), Labcorp
Classification: Uncertain significance. Last evaluated: 2025-10-28. Review status: criteria provided, single submitter. Criteria: Invitae Variant Classification Sherloc (09022015). Collection method: clinical testing. Allele origin: germline.
Comment: This sequence change replaces serine, which is neutral and polar, with phenylalanine, which is neutral and non-polar, at codon 825 of the IGSF10 protein (p.Ser825Phe). This variant is not present in population databases (gnomAD no frequency). This variant has not been reported in the literature in individuals affected with IGSF10-related conditions. ClinVar contains an entry for this variant (Variation ID: 2093572). An algorithm developed to predict the effect of missense changes on protein structure and function (PolyPhen-2) suggests that this variant is likely to be tolerated. In summary, the available evidence is currently insufficient to determine the role of this variant in disease. Therefore, it has been classified as a Variant of Uncertain Significance.

NM_178822.5(IGSF10):c.2474C>T (p.Ser825Phe)

Gene: IGSF10 (immunoglobulin superfamily member 10; minus strand). Cytogenetic location: 3q25.1.
Variant type: single nucleotide variant.
Coding change: c.2474C>T on transcript NM_178822.5 (MANE Select); coding-DNA position 2474, C replaced by T.
Protein change: p.Ser825Phe; replaces serine 825 with phenylalanine.
Molecular consequence: missense variant.
Genome position (GRCh38, 1-based): chr3:151,447,507, G>A on the plus strand (C>T on the coding strand, the complement: IGSF10 is on the minus strand). VCF-style: chr3-151447507-G-A. GRCh37 (hg19) VCF-style: chr3-151165295-G-A.
Other names: c.2474C>T, p.Ser825Phe (NM_001385060.1, NM_001385061.1, NM_001385062.1 and 1 more transcripts); short protein forms S825F.
Identifiers: ClinVar variation 2093572 (VCV002093572.4), dbSNP rs2474498758, ClinGen allele CA355000162.